The following is an entry in ClinVar:

ClinVar aggregate classification (germline): Uncertain significance (1 of 4 stars; one submission).

Conditions:
Hereditary cancer-predisposing syndrome. Also called: Hereditary Cancer Syndrome; Hereditary neoplastic syndrome; Neoplastic Syndromes, Hereditary; Tumor predisposition. Identifiers: Orphanet 140162, MedGen C0027672, MeSH D009386, MONDO:0015356.

Submission:

Ambry Genetics
Classification: Uncertain significance for Hereditary cancer-predisposing syndrome. Last evaluated: 2022-08-29. Review status: criteria provided, single submitter. Criteria: Ambry Variant Classification Scheme 2023. Collection method: clinical testing. Allele origin: germline.
Comment: The p.G448R variant (also known as c.1342G>C), located in coding exon 2 of the MET gene, results from a G to C substitution at nucleotide position 1342. The glycine at codon 448 is replaced by arginine, an amino acid with dissimilar properties. This amino acid position is conserved. In addition, the in silico prediction for this alteration is inconclusive. Since supporting evidence is limited at this time, the clinical significance of this alteration remains unclear.

NM_000245.4(MET):c.1342G>C (p.Gly448Arg)

Gene: MET (MET proto-oncogene, receptor tyrosine kinase; plus strand). Cytogenetic location: 7q31.2.
Variant type: single nucleotide variant.
Coding change: c.1342G>C on transcript NM_000245.4 (MANE Select); coding-DNA position 1342, G replaced by C.
Protein change: p.Gly448Arg; replaces glycine 448 with arginine.
Molecular consequence: missense variant.
Genome position (GRCh38, 1-based): chr7:116,731,809, G>C. VCF-style: chr7-116731809-G-C. GRCh37 (hg19) VCF-style: chr7-116371863-G-C.
Other names: c.1342G>C, p.Gly448Arg (NM_001127500.3, NM_001324401.3); c.52G>C, p.Gly18Arg (NM_001324402.2); short protein forms G448R, G18R.
Identifiers: ClinVar variation 1770398 (VCV001770398.2), dbSNP rs1584914261, ClinGen allele CA368972970.